The following is an entry in ClinVar:

NM_004960.4(FUS):c.412GGACAGCAGCAAAGCTAT[1] (p.138GQQQSY[1])

Gene: FUS (FUS DNA/RNA binding protein; plus strand). Cytogenetic location: 16p11.2.
Variant type: Microsatellite.
Coding change: c.412GGACAGCAGCAAAGCTAT[1] on transcript NM_004960.4 (MANE Select); one copy of the 18-base unit GGACAGCAGCAAAGCTAT starting at c.412; the reference has two copies in a row; one copy, 18 bases deleted.
Protein change: p.138GQQQSY[1].
Molecular consequence: inframe deletion. On other transcripts: non-coding transcript variant (1).
Genome position (GRCh38, 1-based): chr16:31,184,303-31,184,320, GGACAGCAGCAAAGCTAT deleted; deleting any 18 consecutive bases within chr16:31,184,284-31,184,320 gives the same sequence; the position shown is the placement nearest the transcript's 3' end. VCF-style (leftmost placement, unchanged base first): chr16-31184283-GTGGACAGCAGCAAAGCTA-G. GRCh37 (hg19) VCF-style: chr16-31195604-GTGGACAGCAGCAAAGCTA-G.
Other names: c.409GGACAGCAGCAAAGCTAT[1], p.137GQQQSY[1] (NM_001170634.1); c.412GGACAGCAGCAAAGCTAT[1], p.138GQQQSY[1] (NM_001170937.1); c.430_447del18 (NM_004960.3).
Identifiers: ClinVar variation 873229 (VCV000873229.45), dbSNP rs747579808, ClinGen allele CA8023615.

ClinVar aggregate classification (germline): Conflicting classifications of pathogenicity. Review status: criteria provided, conflicting classifications (1 of 4 stars). 5 submissions from 5 submitters: Likely pathogenic (1); Uncertain significance (3); Likely benign (1). Last evaluated 2026-03-04.

Conditions:
Tremor, hereditary essential, 4 (ETM4). Identifiers: MedGen C3539195, MONDO:0013888, OMIM 614782.
Amyotrophic lateral sclerosis type 6. Also called: AMYOTROPHIC LATERAL SCLEROSIS 6 WITHOUT FRONTOTEMPORAL DEMENTIA; Amyotrophic lateral sclerosis 6, with or without frontotemporal dementia; FUS-Related Amyotrophic Laterial Sclerosis. Identifiers: Orphanet 275872, Orphanet 803, MedGen C2931786, MONDO:0011951, OMIM 608030.
Inborn genetic diseases. Identifiers: MedGen C0950123, MeSH D030342.
FUS-related disorder. Also called: FUS-related condition.

Submissions (5):

PreventionGenetics, part of Exact Sciences
Classification: Uncertain significance for FUS-related condition. Last evaluated: 2026-03-04. Review status: criteria provided, single submitter. Criteria: ACMG Guidelines, 2015. Collection method: clinical testing. Allele origin: germline.
Comment: The FUS c.430_447del18 variant is predicted to result in an in-frame deletion (p.Gly144_Tyr149del). This variant is alternatively referred to as c.411_428del; p.137_143del in the literature. This variant has been reported in individuals with amyotrophic lateral sclerosis (ALS) (Belzil et al 2011. PubMed ID: 21261515), probable autosomal dominant dementia (Bartoletti-Stella et al. 2018. PubMed ID: 29525180), juvenile ALS (Tunca C et al 2020. PubMed ID: 32579787), early onset Alzheimer's disease (Bartoletti-Stella et al. 2022. PubMed ID: 36133075) and semantic variant primary progressive aphasia (svPPA) (Artan S et al 2021. PubMed ID: 34162492). This variant has conflicting interpretations ranging from likely benign to likely pathogenic in the ClinVar database (ClinVar ID: 873229). This variant is reported in 0.020% of alleles in individuals of Latino descent in gnomAD. At this time, the clinical significance of this variant is uncertain due to the absence of conclusive functional and genetic evidence.

Labcorp Genetics (formerly Invitae), Labcorp
Classification: Uncertain significance for Tremor, hereditary essential, 4; Amyotrophic lateral sclerosis type 6. Last evaluated: 2025-12-15. Review status: criteria provided, single submitter. Criteria: Invitae Variant Classification Sherloc (09022015). Collection method: clinical testing. Allele origin: germline.
Comment: This variant, c.430_447del, results in the deletion of 6 amino acid(s) of the FUS protein (p.Gly144_Tyr149del), but otherwise preserves the integrity of the reading frame. This variant is present in population databases (rs780523725, gnomAD 0.02%). This variant has been observed in individuals with FUS-related conditions (PMID: 21261515, 22292843, 29525180, 32579787, 34162492, 36133075). This variant is also known as c.411_428del, p.137_143del. ClinVar contains an entry for this variant (Variation ID: 873229). Experimental studies and prediction algorithms are not available or were not evaluated, and the functional significance of this variant is currently unknown. In summary, the available evidence is currently insufficient to determine the role of this variant in disease. Therefore, it has been classified as a Variant of Uncertain Significance.

CeGaT Center for Human Genetics Tuebingen
Classification: Uncertain significance. Last evaluated: 2022-04-01. Review status: criteria provided, single submitter. Criteria: CeGaT Center For Human Genetics Tuebingen Variant Classification Criteria Version 2. Collection method: clinical testing. Allele origin: germline. Affected: yes. Observed: 2 variant alleles.
Comment: FUS: PM1, PM4

Suna and Inan Kirac Foundation Neurodegeneration Research Laboratory, Koc University
Classification: Likely pathogenic for Amyotrophic lateral sclerosis type 6. Last evaluated: 2020-03-31. Review status: criteria provided, single submitter. Criteria: ACMG Guidelines, 2015. Collection method: research. Allele origin: germline. Affected: yes. Observed: 1 variant allele.

Ambry Genetics
Classification: Likely benign for Inborn genetic diseases. Last evaluated: 2020-02-13. Review status: criteria provided, single submitter. Criteria: Ambry Variant Classification Scheme 2023. Collection method: clinical testing. Allele origin: germline.

Literature cited by the submitters: PubMed 21261515 (cited by Labcorp Genetics (formerly Invitae), Labcorp); PubMed 22292843 (cited by Labcorp Genetics (formerly Invitae), Labcorp); PubMed 29525180 (cited by Labcorp Genetics (formerly Invitae), Labcorp); PubMed 32579787 (cited by Labcorp Genetics (formerly Invitae), Labcorp); PubMed 34162492 (cited by Labcorp Genetics (formerly Invitae), Labcorp); PubMed 36133075 (cited by Labcorp Genetics (formerly Invitae), Labcorp).